The following is an entry in ClinVar:

ClinVar aggregate classification (germline): Pathogenic (1 of 4 stars; one submission).

Conditions:
VPS13A-related neurodegenerative disease. Also called: ACANTHOCYTOSIS WITH NEUROLOGIC DISORDER; LEVINE-CRITCHLEY SYNDROME; Choreoacanthocytosis; Chorea-acanthocytosis; Choreaacanthocytosis; VPS13A Disease. Identifiers: Orphanet 2388, MedGen C0393576, MONDO:0008695, OMIM 200150.

Submission:

Myriad Genetics, Inc.
Classification: Pathogenic for VPS13A-related neurodegenerative disease. Last evaluated: 2023-08-28. Review status: criteria provided, single submitter. Criteria: Myriad Autosomal Dominant, Autosomal Recessive and X-Linked Classification Criteria (2023). Collection method: clinical testing. Allele origin: unknown.
Comment: NM_033305.2(VPS13A):c.3244dupT(S1082Ffs*2) is expected to be pathogenic in the context of VPS13A disease. This variant is predicted to lead to an abnormal or absent protein product due to the creation of a premature termination codon in VPS13A, a gene where loss-of-function variants are known to be pathogenic. Please note: this variant was assessed in the context of healthy population screening.

NM_033305.3(VPS13A):c.3244dup (p.Ser1082fs)

Gene: VPS13A (vacuolar protein sorting 13 homolog A; plus strand). Cytogenetic location: 9q21.2.
Variant type: Duplication.
Coding change: c.3244dup on transcript NM_033305.3 (MANE Select); coding-DNA position 3244, one base duplicated (T; older notation c.3244dupT).
Protein change: p.Ser1082fs; shifts the reading frame from serine 1082.
Molecular consequence: frameshift variant.
Genome position (GRCh38, 1-based): chr9:77,283,555, T duplicated; the last of 2 consecutive T bases (chr9:77,283,554-77,283,555); duplicating either gives the same sequence. VCF-style (leftmost placement, unchanged base first): chr9-77283553-A-AT. GRCh37 (hg19) VCF-style: chr9-79898469-A-AT.
Other names: c.3127dup, p.Ser1043fs (NM_001018037.2); c.3244dup, p.Ser1082fs (NM_001018038.3, NM_015186.4); short protein forms S1043fs, S1082fs.
Identifiers: ClinVar variation 5011483 (VCV005011483.1).